The following is an entry in ClinVar:

NM_016122.3(CEP83):c.1462_1465del (p.Ser488fs)

Gene: CEP83 (centrosomal protein 83; minus strand). Cytogenetic location: 12q22.
Variant type: Deletion.
Coding change: c.1462_1465del on transcript NM_016122.3 (MANE Select); coding-DNA positions 1462 to 1465, 4 bases deleted (TCAG; older notation c.1462_1465delTCAG).
Protein change: p.Ser488fs; shifts the reading frame from serine 488.
Molecular consequence: frameshift variant. On other transcripts: non-coding transcript variant (2).
Genome position (GRCh38, 1-based): chr12:94,333,594-94,333,597, CTGA deleted on the plus strand (TCAG on the coding strand, the reverse complement: CEP83 is on the minus strand); deleting any 4 consecutive bases within chr12:94,333,594-94,333,600 gives the same sequence; the c. name uses the placement nearest the transcript's 3' end. VCF-style (leftmost placement, unchanged base first): chr12-94333593-TCTGA-T. GRCh37 (hg19) VCF-style: chr12-94727369-TCTGA-T.
Other names: c.1462_1465del, p.Ser488fs (NM_001042399.2, NM_001346457.2, NM_001368037.1 and 1 more transcripts); c.1150_1153del, p.Ser384fs (NM_001346458.2, NM_001346459.2, NM_001368039.1 and 1 more transcripts); c.1237_1240del, p.Ser413fs (NM_001368041.1); short protein forms S413fs, S488fs, S384fs.
Identifiers: ClinVar variation 1454432 (VCV001454432.6), dbSNP rs2136515432, ClinGen allele CA2573149087.

ClinVar aggregate classification (germline): Pathogenic (1 of 4 stars; one submission).

Conditions:
Nephronophthisis 18 (NPHP18). Identifiers: Orphanet 655, MedGen C3890591, MONDO:0014374, OMIM 615862.

Submission:

Labcorp Genetics (formerly Invitae), Labcorp
Classification: Pathogenic for Nephronophthisis 18. Last evaluated: 2021-02-21. Review status: criteria provided, single submitter. Criteria: Invitae Variant Classification Sherloc (09022015). Collection method: clinical testing. Allele origin: germline.
Comment: For these reasons, this variant has been classified as Pathogenic. This variant has not been reported in the literature in individuals with CEP83-related conditions. This variant is not present in population databases (ExAC no frequency). This sequence change creates a premature translational stop signal (p.Ser488Argfs*5) in the CEP83 gene. It is expected to result in an absent or disrupted protein product. Loss-of-function variants in CEP83 are known to be pathogenic (PMID: 23530209, 24882706).

Literature cited by the submitters: PubMed 23530209; PubMed 24882706.